The following is an entry in ClinVar:

ClinVar aggregate classification (germline): Likely benign (1 of 4 stars; one submission).

Conditions:
Legius syndrome. Identifiers: Orphanet 137605, MedGen C1969623, MONDO:0012669, OMIM 611431. Disease mechanism: loss of function.

Allele frequency attached by ClinVar (database versions not stated): gnomAD 0.00006 and 0.00048; TOPMed 0.00021; 1000 Genomes Project 0.00200; 1000 Genomes Project 30x 0.00219.

Submission:

Illumina Laboratory Services, Illumina
Classification: Likely benign for Legius syndrome. Last evaluated: 2018-01-13. Review status: criteria provided, single submitter. Criteria: ICSL Variant Classification Criteria 13 December 2019. Collection method: clinical testing. Allele origin: germline.
Comment: This variant was observed in the ICSL laboratory as part of a predisposition screen in an ostensibly healthy population. It had not been previously curated by ICSL or reported in the Human Gene Mutation Database (HGMD: prior to June 1st, 2018), and was therefore a candidate for classification through an automated scoring system. Utilizing variant allele frequency, disease prevalence and penetrance estimates, and inheritance mode, an automated score was calculated to assess if this variant is too frequent to cause the disease. Based on the score and internal cut-off values, a variant classified as likely benign is not then subjected to further curation. The score for this variant resulted in a classification of likely benign for this disease.

NM_152594.3(SPRED1):c.*4697G>A

Gene: SPRED1 (sprouty related EVH1 domain containing 1; plus strand). Cytogenetic location: 15q14.
Variant type: single nucleotide variant.
Coding change: c.*4697G>A on transcript NM_152594.3 (MANE Select); 4697 bases downstream of the stop codon, G replaced by A.
Molecular consequence: 3 prime UTR variant.
Genome position (GRCh38, 1-based): chr15:38,356,361, G>A. VCF-style: chr15-38356361-G-A. GRCh37 (hg19) VCF-style: chr15-38648562-G-A.
Identifiers: ClinVar variation 887267 (VCV000887267.4), dbSNP rs188784206, ClinGen allele CA269293939.